The following is an entry in ClinVar:

ClinVar aggregate classification (germline): Uncertain significance (1 of 4 stars; one submission).

Conditions:
Charcot-Marie-Tooth disease axonal type 2V. Also called: CHARCOT-MARIE-TOOTH NEUROPATHY, TYPE 2V; CHARCOT-MARIE-TOOTH DISEASE, AXONAL, AUTOSOMAL DOMINANT, TYPE 2V. Identifiers: Orphanet 447964, MedGen C5569050, MONDO:0014665, OMIM 616491.
Mucopolysaccharidosis, MPS-III-B (MPS3B). Also called: MUCOPOLYSACCHARIDOSIS, TYPE IIIB; Mucopolysaccharidosis type IIIB (Sanfilippo B); N-ACETYL-ALPHA-D-GLUCOSAMINIDASE DEFICIENCY; NAGLU DEFICIENCY; SANFILIPPO SYNDROME B; MPS III B. Identifiers: Orphanet 79270, MedGen C0086648, MONDO:0009656, OMIM 252920.

Submission:

Labcorp Genetics (formerly Invitae), Labcorp
Classification: Uncertain significance for Charcot-Marie-Tooth disease axonal type 2V; Mucopolysaccharidosis, MPS-III-B. Last evaluated: 2024-10-30. Review status: criteria provided, single submitter. Criteria: Invitae Variant Classification Sherloc (09022015). Collection method: clinical testing. Allele origin: germline.
Comment: This sequence change replaces glycine, which is neutral and non-polar, with alanine, which is neutral and non-polar, at codon 105 of the NAGLU protein (p.Gly105Ala). This variant is not present in population databases (gnomAD no frequency). This variant has not been reported in the literature in individuals affected with NAGLU-related conditions. ClinVar contains an entry for this variant (Variation ID: 1714975). Invitae Evidence Modeling of protein sequence and biophysical properties (such as structural, functional, and spatial information, amino acid conservation, physicochemical variation, residue mobility, and thermodynamic stability) has been performed for this missense variant. However, the output from this modeling did not meet the statistical confidence thresholds required to predict the impact of this variant on NAGLU protein function. In summary, the available evidence is currently insufficient to determine the role of this variant in disease. Therefore, it has been classified as a Variant of Uncertain Significance.

NM_000263.4(NAGLU):c.314G>C (p.Gly105Ala)

Gene: NAGLU (N-acetyl-alpha-glucosaminidase; plus strand). Cytogenetic location: 17q21.2.
Variant type: single nucleotide variant.
Coding change: c.314G>C on transcript NM_000263.4 (MANE Select); coding-DNA position 314, G replaced by C.
Protein change: p.Gly105Ala; replaces glycine 105 with alanine.
Molecular consequence: missense variant.
Genome position (GRCh38, 1-based): chr17:42,536,586, G>C. VCF-style: chr17-42536586-G-C. GRCh37 (hg19) VCF-style: chr17-40688604-G-C.
Other names: short protein forms G105A.
Identifiers: ClinVar variation 1714975 (VCV001714975.5), dbSNP rs2510650506, ClinGen allele CA399596053.